The following is an entry in ClinVar:

ClinVar aggregate classification (germline): Likely benign. Review status: criteria provided, multiple submitters, no conflicts (2 of 4 stars). 2 submissions from 2 submitters: Likely benign (2). Last evaluated 2025-12-18.

gnomAD v4.1: 106 of 1,613,736 alleles (0.0066%); highest among the groups gnomAD compares: African/African-American, 0.12%; no homozygotes.

Submissions (2):

Mayo Clinic Laboratories, Mayo Clinic
Classification: Likely benign. Last evaluated: 2025-12-18. Review status: criteria provided, single submitter. Criteria: ACMG Guidelines, 2015. Collection method: clinical testing. Allele origin: germline. Observed: 3 variant alleles.
Comment: BP4, BP7

Women's Health and Genetics/Laboratory Corporation of America, LabCorp
Classification: Likely benign. Last evaluated: 2024-11-04. Review status: criteria provided, single submitter. Criteria: LabCorp Variant Classification Summary - May 2015. Collection method: clinical testing. Allele origin: germline.

NM_005666.4(CFHR2):c.540C>T (p.Asn180=)

Gene: CFHR2 (complement factor H related 2; plus strand). Cytogenetic location: 1q31.3.
Variant type: single nucleotide variant.
Coding change: c.540C>T on transcript NM_005666.4 (MANE Select); coding-DNA position 540, C replaced by T.
Protein change: p.Asn180=; no amino-acid change (asparagine 180 retained).
Molecular consequence: synonymous variant.
Genome position (GRCh38, 1-based): chr1:196,958,000, C>T. VCF-style: chr1-196958000-C-T. GRCh37 (hg19) VCF-style: chr1-196927130-C-T.
Other names: p.Asn180=; c.168C>T, p.Asn56= (NM_001312672.1); c.345C>T, p.Asn115= (NM_001410924.1).
Identifiers: ClinVar variation 3629855 (VCV003629855.2).
Genomic context (GRCh38, chr1:196,958,000, plus strand): 5'-TACTTCATTCCTGTTGTCAGTATATGCTCCAGGTTCATCAGTTGAGTACCAGTGCCAGAA[C>T]TTGTATCAACTTGAGGGTAACAATCAAATAACATGTAGAAACGGACAATGGTCAGAACCA-3'
Protein context (NP_005657.1, residues 170-190): PGSSVEYQCQ[Asn180=]LYQLEGNNQI